The following is an entry in ClinVar:

NM_014746.6(RNF144A):c.594C>T (p.Cys198=)

Gene: RNF144A (ring finger protein 144A; plus strand). Cytogenetic location: 2p25.1.
Variant type: single nucleotide variant.
Coding change: c.594C>T on transcript NM_014746.6 (MANE Select); coding-DNA position 594, C replaced by T.
Protein change: p.Cys198=; no amino-acid change (cysteine 198 retained).
Molecular consequence: synonymous variant.
Genome position (GRCh38, 1-based): chr2:7,024,453, C>T. VCF-style: chr2-7024453-C-T. GRCh37 (hg19) VCF-style: chr2-7164584-C-T.
Other names: c.594C>T, p.Cys198= (NM_001349181.2, NM_001349182.2, NM_001349183.2 and 2 more transcripts); c.345C>T, p.Cys115= (NM_001349186.2).
Identifiers: ClinVar variation 2650643 (VCV002650643.24), dbSNP rs184927662, ClinGen allele CA1518863.
Genomic context (GRCh38, chr2:7,024,453, plus strand): 5'-TGACGCGCCCATCAAGCGCTGCCCCAAGTGCAAAGTCTACATCGAGCGAGACGAAGGCTG[C>T]GCGCAGATGATGTGCAAGAACTGCAAGCACGCCTTCTGCTGGTACTGCCTGGAGTCTCTG-3'
Protein context (NP_055561.2, residues 188-208): CKVYIERDEG[Cys198=]AQMMCKNCKH

ClinVar aggregate classification (germline): Likely benign (1 of 4 stars; one submission).

Allele frequency attached by ClinVar (database versions not stated): ExAC 0.00002; gnomAD 0.00003; gnomAD exomes 0.00003; TOPMed 0.00005; ESP Exome Variant Server 0.00008; 1000 Genomes Project 0.00020; 1000 Genomes Project 30x 0.00031.
gnomAD v4.1: 44 of 1,612,830 alleles (0.0027%); highest among the groups gnomAD compares: African/African-American, 0.008%; no homozygotes.

Submission:

CeGaT Center for Human Genetics Tuebingen
Classification: Likely benign. Last evaluated: 2023-02-01. Review status: criteria provided, single submitter. Criteria: CeGaT Center For Human Genetics Tuebingen Variant Classification Criteria Version 2. Collection method: clinical testing. Allele origin: germline. Affected: yes. Observed: 1 variant allele.
Comment: RNF144A: BP4, BP7